The following is an entry in ClinVar:

NM_000492.4(CFTR):c.1504A>G (p.Ile502Val)

Genes: CFTR (CF transmembrane conductance regulator; plus strand), CFTR-AS1 (CFTR antisense RNA 1; minus strand). Cytogenetic location: 7q31.2.
Variant type: single nucleotide variant.
Coding change: c.1504A>G on transcript NM_000492.4 (MANE Select); coding-DNA position 1504, A replaced by G.
Protein change: p.Ile502Val; replaces isoleucine 502 with valine.
Molecular consequence: missense variant.
Genome position (GRCh38, 1-based): chr7:117,559,575, A>G. VCF-style: chr7-117559575-A-G. GRCh37 (hg19) VCF-style: chr7-117199629-A-G.
Other names: short protein forms I502V.
Identifiers: ClinVar variation 526023 (VCV000526023.7), dbSNP rs768243039, ClinGen allele CA4451013.

ClinVar aggregate classification (germline): Uncertain significance. Review status: criteria provided, multiple submitters, no conflicts (2 of 4 stars). 3 submissions from 3 submitters: Uncertain significance (2). 1 of the submissions does not count toward it. Last evaluated 2023-09-11.

Conditions:
Cystic fibrosis (CF). Also called: MUCOVISCIDOSIS. Identifiers: Orphanet 586, MedGen C0010674, MONDO:0009061, OMIM 219700. Disease mechanism: loss of function.
CFTR-related disorder (CFTR-RD). Also called: CFTR-related disorders; CFTR-related condition. Identifiers: MedGen C5924204, MONDO:7770004.

Allele frequency attached by ClinVar (database versions not stated): TOPMed below 0.00001; ExAC 0.00001; gnomAD exomes below 0.00001 and 0.00001.
gnomAD v4.1: 4 of 1,612,826 alleles (0.00025%); highest among the groups gnomAD compares: Non-Finnish European, 0.00025%; no homozygotes.

Submissions (3):

ARUP Laboratories, Molecular Genetics and Genomics, ARUP Laboratories
Classification: Uncertain significance. Last evaluated: 2023-09-11. Review status: criteria provided, single submitter. Criteria: ARUP Molecular Germline Variant Investigation Process 2024. Collection method: clinical testing. Allele origin: germline.
Comment: The CFTR c.1504A>G; p.Ile502Val variant (rs768243039), to our knowledge, is not reported in the medical literature but is reported in ClinVar (Variation ID: 526023). This variant is only found on two alleles in the Genome Aggregation Database, indicating it is not a common polymorphism. Computational analyses are uncertain whether this variant is neutral or deleterious (REVEL: 0.56). A different variant at this codon, p.Ile502Thr, is reported as CF-causing in the CFTR2 database (see link). Due to limited information, the clinical significance of the p.Ile502Val variant is uncertain at this time. References: CFTR2 database link

Labcorp Genetics (formerly Invitae), Labcorp
Classification: Uncertain significance for Cystic fibrosis. Last evaluated: 2021-09-01. Review status: criteria provided, single submitter. Criteria: Invitae Variant Classification Sherloc (09022015). Collection method: clinical testing. Allele origin: germline.
Comment: This sequence change replaces isoleucine with valine at codon 502 of the CFTR protein (p.Ile502Val). The isoleucine residue is highly conserved and there is a small physicochemical difference between isoleucine and valine. This variant is present in population databases (rs768243039, ExAC 0.001%). This variant has not been reported in the literature in individuals affected with CFTR-related conditions. Algorithms developed to predict the effect of missense changes on protein structure and function (SIFT, PolyPhen-2, Align-GVGD) all suggest that this variant is likely to be tolerated. In summary, the available evidence is currently insufficient to determine the role of this variant in disease. Therefore, it has been classified as a Variant of Uncertain Significance.

Natera, Inc.
Classification: Uncertain significance for CFTR-related disorders. Last evaluated: 2020-10-08. Review status: no assertion criteria provided. Collection method: clinical testing. Allele origin: germline. Not counted in ClinVar's aggregate classification.